The following is an entry in ClinVar:

ClinVar aggregate classification (germline): Uncertain significance (1 of 4 stars; one submission).

Conditions:
Brody myopathy. Also called: BRODY DISEASE. Identifiers: Orphanet 53347, MedGen C1832918, MONDO:0010977, OMIM 601003.

Allele frequency attached by ClinVar (database versions not stated): gnomAD exomes below 0.00001; TOPMed 0.00001.

Submission:

Labcorp Genetics (formerly Invitae), Labcorp
Classification: Uncertain significance for Brody myopathy. Last evaluated: 2022-08-10. Review status: criteria provided, single submitter. Criteria: Invitae Variant Classification Sherloc (09022015). Collection method: clinical testing. Allele origin: germline.
Comment: In summary, the available evidence is currently insufficient to determine the role of this variant in disease. Therefore, it has been classified as a Variant of Uncertain Significance. Algorithms developed to predict the effect of missense changes on protein structure and function are either unavailable or do not agree on the potential impact of this missense change (SIFT: "Deleterious"; PolyPhen-2: "Probably Damaging"; Align-GVGD: "Class C0"). ClinVar contains an entry for this variant (Variation ID: 1478769). This variant has not been reported in the literature in individuals affected with ATP2A1-related conditions. This variant is not present in population databases (gnomAD no frequency). This sequence change replaces lysine, which is basic and polar, with glutamine, which is neutral and polar, at codon 511 of the ATP2A1 protein (p.Lys511Gln).

NM_004320.6(ATP2A1):c.1531A>C (p.Lys511Gln)

Gene: ATP2A1 (ATPase sarcoplasmic/endoplasmic reticulum Ca2+ transporting 1; plus strand). Cytogenetic location: 16p11.2.
Variant type: single nucleotide variant.
Coding change: c.1531A>C on transcript NM_004320.6 (MANE Select); coding-DNA position 1531, A replaced by C.
Protein change: p.Lys511Gln; replaces lysine 511 with glutamine.
Molecular consequence: missense variant.
Genome position (GRCh38, 1-based): chr16:28,898,111, A>C. VCF-style: chr16-28898111-A-C. GRCh37 (hg19) VCF-style: chr16-28909432-A-C.
Other names: c.1156A>C, p.Lys386Gln (NM_001286075.2); c.1531A>C, p.Lys511Gln (NM_173201.5); short protein forms K386Q, K511Q.
Identifiers: ClinVar variation 1478769 (VCV001478769.8), dbSNP rs746522971, ClinGen allele CA395409526.
Genomic context (GRCh38, chr16:28,898,111, plus strand): 5'-AGAAAGTCCATGTCTGTCTATTGCTCCCCAGCCAAATCTTCCCGGGCTGCTGTGGGCAAC[A>C]AGATGTTTGTCAAGGTCAGAAATCGGAATGTGCCTCAGCCCCCTCTTCTTCCTACTCCTA-3'
Protein context (NP_004311.1, residues 501-521): AKSSRAAVGN[Lys511Gln]MFVKGAPEGV